The following is an entry in ClinVar:

NM_000152.5(GAA):c.796C>A (p.Pro266Thr)

Gene: GAA (alpha glucosidase; plus strand). Cytogenetic location: 17q25.3.
Variant type: single nucleotide variant.
Coding change: c.796C>A on transcript NM_000152.5 (MANE Select); coding-DNA position 796, C replaced by A.
Protein change: p.Pro266Thr; replaces proline 266 with threonine.
Molecular consequence: missense variant.
Genome position (GRCh38, 1-based): chr17:80,107,660, C>A. VCF-style: chr17-80107660-C-A. GRCh37 (hg19) VCF-style: chr17-78081459-C-A.
Other names: NM_001079804.3:c.796C>A; c.796C>A, p.Pro266Thr (NM_001079803.3, NM_001079804.3); short protein forms P266T.
Identifiers: ClinVar variation 1693549 (VCV001693549.3), dbSNP rs1555599667, ClinGen allele CA401363493.
Genomic context (GRCh38, chr17:80,107,660, plus strand): 5'-CTTCAGCTGTCCACCTCGCTGCCCTCGCAGTATATCACAGGCCTCGCCGAGCACCTCAGT[C>A]CCCTGATGCTCAGCACCAGCTGGACCAGGATCACCCTGTGGAACCGGGACCTTGCGCCCA-3'
Protein context (NP_000143.2, residues 256-276): YITGLAEHLS[Pro266Thr]LMLSTSWTRI

ClinVar aggregate classification (germline): Uncertain significance. Review status: reviewed by expert panel (3 of 4 stars). 2 submissions from 2 submitters: Uncertain significance (1). 1 of the submissions does not count toward it. Last evaluated 2025-06-03.

Conditions:
Glycogen storage disease, type II (IOPD). Also called: CARDIOMEGALIA GLYCOGENICA DIFFUSA; GLYCOGENOSIS, GENERALIZED, CARDIAC FORM; GSD II; POMPE DISEASE, INFANTILE-ONSET; GLYCOGEN STORAGE DISEASE II, INFANTILE-ONSET; ACID ALPHA-GLUCOSIDASE DEFICIENCY, INFANTILE-ONSET. Identifiers: Orphanet 365, MedGen C0017921, MONDO:0009290, OMIM 232300.

Submissions (2):

ClinGen Lysosomal Storage Disorder Variant Curation Expert Panel
Classification: Uncertain significance for Glycogen storage disease, type II. Last evaluated: 2025-06-03. Review status: reviewed by expert panel. Criteria: clingen_lsd_acmg_specifications_v2-1. Collection method: curation. Allele origin: germline. Inheritance: Autosomal recessive inheritance.
Comment: The NM_000152.5:c.796C>A variant in GAA is a missense variant predicted to cause substitution of proline by threonine at amino acid 266 (p.Pro266Thr). One patient with a diagnosis of Pompe disease has been reported who is compound heterozygous, phase unknown, for the variant and a variant in GAA that has been classified as pathogenic by the ClinGen LD VCEP, c.2237G>A (p.Trp746Ter) (PMID: 29451150) (PM3_Supporting). Two other missense changes, c.796C>T (p.Pro266Ser) and c.797C>T (p.Pro266Leu) at the same amino acid residue have been reported. The first, c.796C>T (p.Pro266Ser), has been classified as likely pathogenic by the ClinGen LD VCEP. The second variant, c.797C>T (p.Pro266Leu), has not yet been classified as pathogenic or likely pathogenic by the ClinGen LD VCEP (PM5_Supporting). Expression of the variant in HEK293 cells demonstrates loss of GAA activity, and western blot shows only the 110kDa precursor band suggesting abnormal GAA processing (using the assay reported in PMID: 36246652). The computational predictor REVEL gives a score of 0.262 which is below the threshold of 0.5, evidence that does not predict a damaging effect on GAA function (BP4). There is a ClinVar entry for this variant (Variation ID: 1693549). In summary, this variant meet the criteria to be classified as a variant of uncertain significance for Pompe disease. GAA-specific ACMG/AMP codes met, based on the specifications of the ClinGen LD VCEP (Specifications Version 2.0.0): PS3_Moderate, PM2_Supporting, PM3_Supporting, PM5_Supporting, BP4.

Genomenon, Inc
Classification: Uncertain significance for Glycogen storage disease, type II. Last evaluated: 2026-07-01. Review status: criteria provided, single submitter. Criteria: Genomenon Sequence Variant Interpretation Standards - Updated. Collection method: curation. Allele origin: germline. Not counted in ClinVar's aggregate classification.
Comment: GAA p.Pro266Thr (c.796C>A) is a missense variant that changes the amino acid at codon 266 from Proline to Threonine. This variant has been reported in the compound heterozygous and/or homozygous state in an individual without a confirmed diagnosis of Pompe disease (PMID:29451150). It is absent or not present at a significant frequency in gnomAD. In silico models predict that this variant is not damaging. In conclusion, we classify GAA p.Pro266Thr (c.796C>A) as a variant of uncertain significance.

Literature cited by the submitters: PubMed 29451150 (cited by Genomenon, Inc).